The following is an entry in ClinVar:

ClinVar aggregate classification (germline): Uncertain significance (1 of 4 stars; one submission).

Submission:

GeneDx
Classification: Uncertain significance. Last evaluated: 2025-02-15. Review status: criteria provided, single submitter. Criteria: GeneDx Variant Classification Process June 2021. Collection method: clinical testing. Allele origin: germline. Affected: yes.
Comment: Not observed at significant frequency in large population cohorts (gnomAD); In silico analysis supports that this missense variant has a deleterious effect on protein structure/function; Has not been previously published as pathogenic or benign to our knowledge

NM_002472.3(MYH8):c.370T>C (p.Phe124Leu)

Genes: MYH8 (myosin heavy chain 8; minus strand), MYHAS (myosin heavy chain gene cluster antisense RNA; plus strand). Cytogenetic location: 17p13.1.
Variant type: single nucleotide variant.
Coding change: c.370T>C on transcript NM_002472.3 (MANE Select); coding-DNA position 370, T replaced by C.
Protein change: p.Phe124Leu; replaces phenylalanine 124 with leucine.
Molecular consequence: missense variant.
Genome position (GRCh38, 1-based): chr17:10,418,786, A>G on the plus strand (T>C on the coding strand, the complement: MYH8 is on the minus strand). VCF-style: chr17-10418786-A-G. GRCh37 (hg19) VCF-style: chr17-10322103-A-G.
Other names: short protein forms F124L.
Identifiers: ClinVar variation 4075585 (VCV004075585.1).